The following is an entry in ClinVar:

NM_003873.7(NRP1):c.2575A>C (p.Ile859Leu)

Gene: NRP1 (neuropilin 1; minus strand). Cytogenetic location: 10p11.22.
Variant type: single nucleotide variant.
Coding change: c.2575A>C on transcript NM_003873.7 (MANE Select); coding-DNA position 2575, A replaced by C.
Protein change: p.Ile859Leu; replaces isoleucine 859 with leucine.
Molecular consequence: missense variant. On other transcripts: non-coding transcript variant (1).
Genome position (GRCh38, 1-based): chr10:33,180,273, T>G on the plus strand (A>C on the coding strand, the complement: NRP1 is on the minus strand). VCF-style: chr10-33180273-T-G. GRCh37 (hg19) VCF-style: chr10-33469201-T-G.
Other names: c.2557A>C, p.Ile853Leu (NM_001244972.2); c.2554A>C, p.Ile852Leu (NM_001244973.2); c.2524A>C, p.Ile842Leu (NM_001330068.2); short protein forms I842L, I852L, I853L, I859L.
Identifiers: ClinVar variation 3353352 (VCV003353352.1).
Genomic context (GRCh38, chr10:33,180,273, plus strand): 5'-GCACGACCCCACAGACAGCCCCCAGGAGGACCCCCAGGGCACTCATGGCTATGATGGTGA[T>G]GAGGATGGGGTCTAAGGTCTTCAACACATTGCCTGGCTTCCTGGAGATGTTCTTGTCACC-3'
Protein context (NP_003864.5, residues 849-869): NVLKTLDPIL[Ile859Leu]TIIAMSALGV

ClinVar aggregate classification (germline): Uncertain significance (0 of 4 stars; one submission).

Conditions:
NRP1-related disorder. Also called: NRP1-related condition.

gnomAD v4.1: 67 of 1,613,962 alleles (0.0042%); highest among the groups gnomAD compares: Admixed American, 0.045%; 1 homozygote.

Submission:

PreventionGenetics, part of Exact Sciences
Classification: Uncertain significance for NRP1-related condition. Last evaluated: 2024-03-05. Review status: no assertion criteria provided. Collection method: clinical testing. Allele origin: germline.
Comment: The NRP1 c.2575A>C variant is predicted to result in the amino acid substitution p.Ile859Leu. This variant has been previously reported in an individual with juvenile onset lymphedema of the lower limbs (Michelini et al. 2020. PubMed ID: 33212964, described as c.2557A> C; p.Ile853Leu). However, there is very little additional evidence linking NRP1 to lymphoedema, and the Michelini study proposed a likely benign classification for c.2575A>C (p.Ile859Leu) relative to this phenotype. This variant is also reported in 0.058% of alleles in individuals of Latino descent in gnomAD, including one homozygote, which was ascertained from a control cohort. This variant allele frequency is likely too high for a disease-causing variant. Although we suspect this variant may be benign, the clinical significance is uncertain due to the absence of conclusive functional and genetic evidence.